The following is an entry in ClinVar:

NM_007103.4(NDUFV1):c.1080+1G>A

Gene: NDUFV1 (NADH:ubiquinone oxidoreductase core subunit V1; plus strand). Cytogenetic location: 11q13.2.
Variant type: single nucleotide variant.
Coding change: c.1080+1G>A on transcript NM_007103.4 (MANE Select); the canonical splice donor site of the intron after coding-DNA position 1080, G replaced by A.
Molecular consequence: splice donor variant.
Genome position (GRCh38, 1-based): chr11:67,611,570, G>A. VCF-style: chr11-67611570-G-A. GRCh37 (hg19) VCF-style: chr11-67379041-G-A.
Other names: c.1053+1G>A (NM_001166102.2).
Identifiers: ClinVar variation 2825532 (VCV002825532.3), dbSNP rs774471485, ClinGen allele CA381541164.
Genomic context (GRCh38, chr11:67,611,570, plus strand): 5'-GCGCTGGTGCAGGCACAGACAGGCCTGGGCACAGCTGCGGTGATCGTCATGGACCGCTCG[G>A]TAAGGGTTCACACACCAGCCCTGGTCCCTGCCCTCCTGGTTGCTGTCTCCCTCCCTGGGC-3'

ClinVar aggregate classification (germline): Likely pathogenic (1 of 4 stars; one submission).

Submission:

Labcorp Genetics (formerly Invitae), Labcorp
Classification: Likely pathogenic. Last evaluated: 2022-12-31. Review status: criteria provided, single submitter. Criteria: Invitae Variant Classification Sherloc (09022015). Collection method: clinical testing. Allele origin: germline.
Comment: In summary, the currently available evidence indicates that the variant is pathogenic, but additional data are needed to prove that conclusively. Therefore, this variant has been classified as Likely Pathogenic. Algorithms developed to predict the effect of sequence changes on RNA splicing suggest that this variant may disrupt the consensus splice site. This variant has not been reported in the literature in individuals affected with NDUFV1-related conditions. This variant is not present in population databases (gnomAD no frequency). This sequence change affects a donor splice site in intron 7 of the NDUFV1 gene. It is expected to disrupt RNA splicing. Variants that disrupt the donor or acceptor splice site typically lead to a loss of protein function (PMID: 16199547), and loss-of-function variants in NDUFV1 are known to be pathogenic (PMID: 10080174, 11349233).

Literature cited by the submitters: PubMed 16199547; PubMed 10080174; PubMed 11349233.